The following is an entry in ClinVar:

NM_001382391.1(CSPP1):c.-146T>A

Gene: CSPP1 (centrosome and spindle pole associated protein 1; plus strand). Cytogenetic location: 8q13.1.
Variant type: single nucleotide variant.
Coding change: c.-146T>A on transcript NM_001382391.1 (MANE Select); 146 bases upstream of the start codon, T replaced by A.
Molecular consequence: 5 prime UTR variant. On other transcripts: missense variant (3).
Genome position (GRCh38, 1-based): chr8:67,064,403, T>A. VCF-style: chr8-67064403-T-A. GRCh37 (hg19) VCF-style: chr8-67976638-T-A.
Other names: c.-146T>A (NM_001363131.2, NM_001363132.2, NM_001363133.2); c.5T>A, p.Leu2Gln (NM_001364869.1, NM_001364870.1, NM_024790.7); short protein forms L2Q.
Identifiers: ClinVar variation 1439488 (VCV001439488.6), dbSNP rs749476046, ClinGen allele CA4770039.

ClinVar aggregate classification (germline): Uncertain significance (1 of 4 stars; one submission).

Conditions:
Joubert syndrome 21 (JBTS21). Identifiers: MedGen C3810212, MONDO:0014288, OMIM 615636.

Allele frequency attached by ClinVar (database versions not stated): ExAC 0.00001; gnomAD exomes 0.00001; TOPMed 0.00001.
gnomAD v4.1: 15 of 1,613,582 alleles (0.00093%); highest among the groups gnomAD compares: Admixed American, 0.005%; no homozygotes.

Submission:

Labcorp Genetics (formerly Invitae), Labcorp
Classification: Uncertain significance for Joubert syndrome 21. Last evaluated: 2023-03-14. Review status: criteria provided, single submitter. Criteria: Invitae Variant Classification Sherloc (09022015). Collection method: clinical testing. Allele origin: germline.
Comment: In summary, the available evidence is currently insufficient to determine the role of this variant in disease. Therefore, it has been classified as a Variant of Uncertain Significance. Algorithms developed to predict the effect of missense changes on protein structure and function output the following: SIFT: "Not Available"; PolyPhen-2: "Possibly Damaging"; Align-GVGD: "Not Available". The glutamine amino acid residue is found in multiple mammalian species, which suggests that this missense change does not adversely affect protein function. ClinVar contains an entry for this variant (Variation ID: 1439488). This variant has not been reported in the literature in individuals affected with CSPP1-related conditions. This variant is present in population databases (rs749476046, gnomAD 0.006%). This sequence change replaces leucine, which is neutral and non-polar, with glutamine, which is neutral and polar, at codon 2 of the CSPP1 protein (p.Leu2Gln).